The following is an entry in ClinVar:

NM_005012.4(ROR1):c.1036A>G (p.Thr346Ala)

Gene: ROR1 (receptor tyrosine kinase like orphan receptor 1; plus strand). Cytogenetic location: 1p31.3.
Variant type: single nucleotide variant.
Coding change: c.1036A>G on transcript NM_005012.4 (MANE Select); coding-DNA position 1036, A replaced by G.
Protein change: p.Thr346Ala; replaces threonine 346 with alanine.
Molecular consequence: missense variant.
Genome position (GRCh38, 1-based): chr1:64,142,512, A>G. VCF-style: chr1-64142512-A-G. GRCh37 (hg19) VCF-style: chr1-64608195-A-G.
Other names: c.1036A>G, p.Thr346Ala (NM_001083592.2); short protein forms T346A.
Identifiers: ClinVar variation 3608853 (VCV003608853.2).

ClinVar aggregate classification (germline): Uncertain significance (1 of 4 stars; one submission).

gnomAD v4.1: 3 of 1,614,126 alleles (0.00019%); highest among the groups gnomAD compares: East Asian, 0.0045%; no homozygotes.

Submission:

Labcorp Genetics (formerly Invitae), Labcorp
Classification: Uncertain significance. Last evaluated: 2025-01-14. Review status: criteria provided, single submitter. Criteria: Invitae Variant Classification Sherloc (09022015). Collection method: clinical testing. Allele origin: germline.
Comment: This sequence change replaces threonine, which is neutral and polar, with alanine, which is neutral and non-polar, at codon 346 of the ROR1 protein (p.Thr346Ala). This variant is present in population databases (rs202031020, gnomAD 0.006%). This variant has not been reported in the literature in individuals affected with ROR1-related conditions. Invitae Evidence Modeling of protein sequence and biophysical properties (such as structural, functional, and spatial information, amino acid conservation, physicochemical variation, residue mobility, and thermodynamic stability) indicates that this missense variant is not expected to disrupt ROR1 protein function with a negative predictive value of 80%. In summary, the available evidence is currently insufficient to determine the role of this variant in disease. Therefore, it has been classified as a Variant of Uncertain Significance.